The following is an entry in ClinVar:

NM_001364171.2(ODAD1):c.284G>C (p.Arg95Pro)

Gene: ODAD1 (outer dynein arm docking complex subunit 1; minus strand). Cytogenetic location: 19q13.33.
Variant type: single nucleotide variant.
Coding change: c.284G>C on transcript NM_001364171.2 (MANE Select); coding-DNA position 284, G replaced by C.
Protein change: p.Arg95Pro; replaces arginine 95 with proline.
Molecular consequence: missense variant.
Genome position (GRCh38, 1-based): chr19:48,318,463, C>G on the plus strand (G>C on the coding strand, the complement: ODAD1 is on the minus strand). VCF-style: chr19-48318463-C-G. GRCh37 (hg19) VCF-style: chr19-48821720-C-G.
Other names: c.173G>C, p.Arg58Pro (NM_144577.4); short protein forms R58P, R95P.
Identifiers: ClinVar variation 1043944 (VCV001043944.9), dbSNP rs1002779676, ClinGen allele CA406666185.

ClinVar aggregate classification (germline): Uncertain significance (1 of 4 stars; one submission).

Conditions:
Primary ciliary dyskinesia. Also called: Ciliary dyskinesia. Identifiers: Orphanet 244, MedGen C0008780, MONDO:0016575, HP:0012265.

gnomAD v4.1: 1 of 1,551,636 alleles (0.000064%); highest among the groups gnomAD compares: Non-Finnish European, 0.000087%; no homozygotes.

Submission:

Labcorp Genetics (formerly Invitae), Labcorp
Classification: Uncertain significance for Primary ciliary dyskinesia. Last evaluated: 2024-10-16. Review status: criteria provided, single submitter. Criteria: Invitae Variant Classification Sherloc (09022015). Collection method: clinical testing. Allele origin: germline.
Comment: This sequence change replaces arginine, which is basic and polar, with proline, which is neutral and non-polar, at codon 58 of the CCDC114 protein (p.Arg58Pro). This variant is not present in population databases (gnomAD no frequency). This variant has not been reported in the literature in individuals affected with CCDC114-related conditions. ClinVar contains an entry for this variant (Variation ID: 1043944). An algorithm developed to predict the effect of missense changes on protein structure and function (PolyPhen-2) suggests that this variant is likely to be disruptive. In summary, the available evidence is currently insufficient to determine the role of this variant in disease. Therefore, it has been classified as a Variant of Uncertain Significance.